The following is an entry in ClinVar:

ClinVar aggregate classification (germline): Uncertain significance. Review status: criteria provided, multiple submitters, no conflicts (2 of 4 stars). 3 submissions from 3 submitters: Uncertain significance (3). Last evaluated 2025-12-17.

Conditions:
DICER1-related tumor predisposition. Also called: DICER1-related pleuropulmonary blastoma cancer predisposition syndrome; DICER1 syndrome. Identifiers: Orphanet 284343, MedGen C3839822, MONDO:0100216.
Global developmental delay - lung cysts - overgrowth - Wilms tumor syndrome. Also called: GLOW Syndrome; GLOBAL DEVELOPMENTAL DELAY, LUNG CYSTS, OVERGROWTH, AND WILMS TUMOR. Identifiers: Orphanet 404476, MedGen C4748924, MONDO:0018445, OMIM 618272.
Hereditary cancer-predisposing syndrome. Also called: Tumor predisposition; Hereditary Cancer Syndrome; Neoplastic Syndromes, Hereditary; Hereditary neoplastic syndrome. Identifiers: Orphanet 140162, MedGen C0027672, MeSH D009386, MONDO:0015356.

Allele frequency attached by ClinVar (database versions not stated): gnomAD exomes below 0.00001 and 0.00002.

Submissions (3):

Ambry Genetics
Classification: Uncertain significance for Hereditary cancer-predisposing syndrome. Last evaluated: 2025-12-17. Review status: criteria provided, single submitter. Criteria: Ambry Variant Classification Scheme 2023. Collection method: clinical testing. Allele origin: germline.
Comment: The p.I1697V variant (also known as c.5089A>G), located in coding exon 22 of the DICER1 gene, results from an A to G substitution at nucleotide position 5089. The isoleucine at codon 1697 is replaced by valine, an amino acid with highly similar properties. This amino acid position is highly conserved in available vertebrate species. In addition, the in silico prediction for this alteration is inconclusive. Based on the available evidence, the clinical significance of this variant remains unclear.

Labcorp Genetics (formerly Invitae), Labcorp
Classification: Uncertain significance for DICER1-related tumor predisposition. Last evaluated: 2024-09-04. Review status: criteria provided, single submitter. Criteria: Invitae Variant Classification Sherloc (09022015). Collection method: clinical testing. Allele origin: germline.
Comment: This sequence change replaces isoleucine, which is neutral and non-polar, with valine, which is neutral and non-polar, at codon 1697 of the DICER1 protein (p.Ile1697Val). This variant is present in population databases (no rsID available, gnomAD 0.0009%). This variant has not been reported in the literature in individuals affected with DICER1-related conditions. ClinVar contains an entry for this variant (Variation ID: 477240). Invitae Evidence Modeling of protein sequence and biophysical properties (such as structural, functional, and spatial information, amino acid conservation, physicochemical variation, residue mobility, and thermodynamic stability) indicates that this missense variant is not expected to disrupt DICER1 protein function with a negative predictive value of 80%. In summary, the available evidence is currently insufficient to determine the role of this variant in disease. Therefore, it has been classified as a Variant of Uncertain Significance.

Baylor Genetics
Classification: Uncertain significance for Global developmental delay - lung cysts - overgrowth - Wilms tumor syndrome. Last evaluated: 2023-06-02. Review status: criteria provided, single submitter. Criteria: ACMG Guidelines, 2015. Collection method: clinical testing. Allele origin: unknown.

NM_177438.3(DICER1):c.5089A>G (p.Ile1697Val)

Gene: DICER1 (dicer 1, ribonuclease III; minus strand). Cytogenetic location: 14q32.13.
Variant type: single nucleotide variant.
Coding change: c.5089A>G on transcript NM_177438.3 (MANE Select); coding-DNA position 5089, A replaced by G.
Protein change: p.Ile1697Val; replaces isoleucine 1697 with valine.
Molecular consequence: missense variant.
Genome position (GRCh38, 1-based): chr14:95,095,831, T>C on the plus strand (A>G on the coding strand, the complement: DICER1 is on the minus strand). VCF-style: chr14-95095831-T-C. GRCh37 (hg19) VCF-style: chr14-95562168-T-C.
Other names: c.5089A>G, p.Ile1697Val (NM_001195573.1, NM_001271282.3, NM_001291628.2 and 1 more transcripts); short protein forms I1697V.
Identifiers: ClinVar variation 477240 (VCV000477240.16), dbSNP rs1457257809, ClinGen allele CA390865872.
Genomic context (GRCh38, chr14:95,095,831, plus strand): 5'-ATCAACACAAAGTCTCATTTTCCCAGAAATGAAGTCTGGTCGTGGGCTCCTTACCAGTGA[T>C]AGTATTGTAGTGGTAGGAGGCATGTGTAAAAGCCTGGAGAAGGTAAGCCTTATTCTTGAA-3'
Protein context (NP_803187.1, residues 1687-1707): FTHASYHYNT[Ile1697Val]TDCYQRLEFL